The following is an entry in ClinVar:

NM_017875.4(SLC25A38):c.122_123del (p.Ser41fs)

Gene: SLC25A38 (solute carrier family 25 member 38; plus strand). Cytogenetic location: 3p22.1.
Variant type: Microsatellite.
Coding change: c.122_123del on transcript NM_017875.4 (MANE Select); coding-DNA positions 122 to 123, 2 bases deleted (CT; older notation c.122_123delCT).
Protein change: p.Ser41fs; shifts the reading frame from serine 41.
Molecular consequence: frameshift variant.
Genome position (GRCh38, 1-based): chr3:39,389,547-39,389,548, CT deleted; deleting any 2 consecutive bases within chr3:39,389,545-39,389,548 gives the same sequence; the c. name uses the placement nearest the transcript's 3' end. VCF-style (leftmost placement, unchanged base first): chr3-39389544-GCT-G. GRCh37 (hg19) VCF-style: chr3-39431035-GCT-G.
Other names: c.122_123del, p.Ser41fs (NM_001354798.2); c.122_123delCT (NM_017875.2); short protein forms S41fs.
Identifiers: ClinVar variation 2987927 (VCV002987927.5), dbSNP rs767156788, ClinGen allele CA2327357.
Genomic context (GRCh38, chr3:39,389,544, plus strand): 5'-TTATCCTGCAGTTACATCCGGTGATCAAGGCTTTCCTGTGTGGCTCCATCAGTGGGACCT[GCT>G]CTACCCTCCTTTTCCAACCTCTGGATCTCCTTAAAACACGCCTGCAAACCCTCCAGCCCT-3'

ClinVar aggregate classification (germline): Pathogenic. Review status: criteria provided, single submitter (1 of 4 stars). 2 submissions from 2 submitters: Pathogenic (1). 1 of the submissions does not count toward it. Last evaluated 2023-05-01.

Conditions:
SLC25A38-related disorder. Also called: SLC25A38-related condition; SLC25A38-related disorders.

Submissions (2):

Labcorp Genetics (formerly Invitae), Labcorp
Classification: Pathogenic. Last evaluated: 2023-05-01. Review status: criteria provided, single submitter. Criteria: Invitae Variant Classification Sherloc (09022015). Collection method: clinical testing. Allele origin: germline.
Comment: This sequence change creates a premature translational stop signal (p.Ser41Tyrfs*11) in the SLC25A38 gene. It is expected to result in an absent or disrupted protein product. Loss-of-function variants in SLC25A38 are known to be pathogenic (PMID: 19412178, 25985931). For these reasons, this variant has been classified as Pathogenic. This variant has not been reported in the literature in individuals affected with SLC25A38-related conditions. This variant is present in population databases (rs767156788, gnomAD 0.006%).

PreventionGenetics, part of Exact Sciences
Classification: Likely pathogenic for SLC25A38-related condition. Last evaluated: 2024-02-12. Review status: no assertion criteria provided. Collection method: clinical testing. Allele origin: germline. Not counted in ClinVar's aggregate classification.
Comment: The SLC25A38 c.122_123delCT variant is predicted to result in a frameshift and premature protein termination (p.Ser41Tyrfs*11). To our knowledge, this variant has not been reported in the literature. This variant is reported in 0.0058% of alleles in individuals of Latino descent in gnomAD. Frameshift variants in SLC25A38 are expected to be pathogenic. This variant is interpreted as likely pathogenic.

Literature cited by the submitters: PubMed 19412178 (cited by Labcorp Genetics (formerly Invitae), Labcorp); PubMed 25985931 (cited by Labcorp Genetics (formerly Invitae), Labcorp).